The following is an entry in ClinVar:

ClinVar aggregate classification (germline): Uncertain significance (1 of 4 stars; one submission).

Submission:

GeneDx
Classification: Uncertain significance. Last evaluated: 2024-03-06. Review status: criteria provided, single submitter. Criteria: GeneDx Variant Classification Process June 2021. Collection method: clinical testing. Allele origin: germline. Affected: yes.
Comment: Not observed at significant frequency in large population cohorts (gnomAD); In silico analysis supports that this missense variant does not alter protein structure/function; Has not been previously published as pathogenic or benign to our knowledge

NM_001145809.2(MYH14):c.92C>G (p.Pro31Arg)

Gene: MYH14 (myosin heavy chain 14; plus strand). Cytogenetic location: 19q13.33.
Variant type: single nucleotide variant.
Coding change: c.92C>G on transcript NM_001145809.2 (MANE Select); coding-DNA position 92, C replaced by G.
Protein change: p.Pro31Arg; replaces proline 31 with arginine.
Molecular consequence: missense variant.
Genome position (GRCh38, 1-based): chr19:50,210,457, C>G. VCF-style: chr19-50210457-C-G. GRCh37 (hg19) VCF-style: chr19-50713714-C-G.
Other names: c.92C>G, p.Pro31Arg (NM_001077186.2, NM_024729.4); short protein forms P31R.
Identifiers: ClinVar variation 3373728 (VCV003373728.1).